The following is an entry in ClinVar:

NM_001184.4(ATR):c.2359C>T (p.His787Tyr)

Gene: ATR (ATR checkpoint kinase; minus strand). Cytogenetic location: 3q23.
Variant type: single nucleotide variant.
Coding change: c.2359C>T on transcript NM_001184.4 (MANE Select); coding-DNA position 2359, C replaced by T.
Protein change: p.His787Tyr; replaces histidine 787 with tyrosine.
Molecular consequence: missense variant.
Genome position (GRCh38, 1-based): chr3:142,553,998, G>A on the plus strand (C>T on the coding strand, the complement: ATR is on the minus strand). VCF-style: chr3-142553998-G-A. GRCh37 (hg19) VCF-style: chr3-142272840-G-A.
Other names: c.2167C>T, p.His723Tyr (NM_001354579.2); short protein forms H787Y, H723Y.
Identifiers: ClinVar variation 1790113 (VCV001790113.2), dbSNP rs1334833221, ClinGen allele CA354817360.
Genomic context (GRCh38, chr3:142,553,998, plus strand): 5'-CAAGAACTGCTTTTACATCTGTTTCATCTTCTCTAAAATCAAGATGCTTACAAAGATGAT[G>A]TAGATTATCTATGAAAGCTGAAGGACAAGAGTATACAATACCTAATTTAACATATTAAAT-3'
Protein context (NP_001175.2, residues 777-797): PVKLAFIDNL[His787Tyr]HLCKHLDFRE

ClinVar aggregate classification (germline): Uncertain significance (1 of 4 stars; one submission).

Conditions:
Inborn genetic diseases. Identifiers: MedGen C0950123, MeSH D030342.

Allele frequency attached by ClinVar (database versions not stated): gnomAD exomes below 0.00001; gnomAD 0.00001.
gnomAD v4.1: 3 of 1,608,158 alleles (0.00019%); highest among the groups gnomAD compares: Admixed American, 0.0017%; no homozygotes.

Submission:

Ambry Genetics
Classification: Uncertain significance for Inborn genetic diseases. Last evaluated: 2022-07-27. Review status: criteria provided, single submitter. Criteria: Ambry Variant Classification Scheme 2023. Collection method: clinical testing. Allele origin: germline.
Comment: The p.H787Y variant (also known as c.2359C>T), located in coding exon 11 of the ATR gene, results from a C to T substitution at nucleotide position 2359. The histidine at codon 787 is replaced by tyrosine, an amino acid with similar properties. This amino acid position is conserved. In addition, this alteration is predicted to be tolerated by in silico analysis. Since supporting evidence is limited at this time, the clinical significance of this alteration remains unclear.